The following is an entry in ClinVar:

ClinVar aggregate classification (germline): Uncertain significance (1 of 4 stars; one submission).

Submission:

Labcorp Genetics (formerly Invitae), Labcorp
Classification: Uncertain significance. Last evaluated: 2021-10-28. Review status: criteria provided, single submitter. Criteria: Invitae Variant Classification Sherloc (09022015). Collection method: clinical testing. Allele origin: germline.
Comment: In summary, the available evidence is currently insufficient to determine the role of this variant in disease. Therefore, it has been classified as a Variant of Uncertain Significance. Algorithms developed to predict the effect of missense changes on protein structure and function are either unavailable or do not agree on the potential impact of this missense change (SIFT: "Deleterious"; PolyPhen-2: "Benign"; Align-GVGD: "Class C15"). This variant has not been reported in the literature in individuals affected with SZT2-related conditions. This variant is not present in population databases (gnomAD no frequency). This sequence change replaces threonine, which is neutral and polar, with isoleucine, which is neutral and non-polar, at codon 984 of the SZT2 protein (p.Thr984Ile).

NM_001365999.1(SZT2):c.2951C>T (p.Thr984Ile)

Gene: SZT2 (SZT2 subunit of KICSTOR complex; plus strand). Cytogenetic location: 1p34.2.
Variant type: single nucleotide variant.
Coding change: c.2951C>T on transcript NM_001365999.1 (MANE Select); coding-DNA position 2951, C replaced by T.
Protein change: p.Thr984Ile; replaces threonine 984 with isoleucine.
Molecular consequence: missense variant.
Genome position (GRCh38, 1-based): chr1:43,426,059, C>T. VCF-style: chr1-43426059-C-T. GRCh37 (hg19) VCF-style: chr1-43891730-C-T.
Other names: c.2951C>T, p.Thr984Ile (NM_015284.4); short protein forms T984I.
Identifiers: ClinVar variation 1475036 (VCV001475036.6), dbSNP rs2153933161, ClinGen allele CA340016016.